The following is an entry in ClinVar:

ClinVar aggregate classification (germline): Uncertain significance (1 of 4 stars; one submission).

Allele frequency attached by ClinVar (database versions not stated): TOPMed below 0.00001.

Submission:

Labcorp Genetics (formerly Invitae), Labcorp
Classification: Uncertain significance. Last evaluated: 2024-10-29. Review status: criteria provided, single submitter. Criteria: Invitae Variant Classification Sherloc (09022015). Collection method: clinical testing. Allele origin: germline.
Comment: This sequence change replaces serine, which is neutral and polar, with phenylalanine, which is neutral and non-polar, at codon 1269 of the RP1 protein (p.Ser1269Phe). This variant is not present in population databases (gnomAD no frequency). This variant has not been reported in the literature in individuals affected with RP1-related conditions. ClinVar contains an entry for this variant (Variation ID: 1011593). An algorithm developed to predict the effect of missense changes on protein structure and function outputs the following: PolyPhen-2: "Benign". The phenylalanine amino acid residue is found in multiple mammalian species, which suggests that this missense change does not adversely affect protein function. In summary, the available evidence is currently insufficient to determine the role of this variant in disease. Therefore, it has been classified as a Variant of Uncertain Significance.

NM_006269.2(RP1):c.3806C>T (p.Ser1269Phe)

Gene: RP1 (RP1 axonemal microtubule associated; plus strand). Cytogenetic location: 8q12.1.
Variant type: single nucleotide variant.
Coding change: c.3806C>T on transcript NM_006269.2 (MANE Select); coding-DNA position 3806, C replaced by T.
Protein change: p.Ser1269Phe; replaces serine 1269 with phenylalanine.
Molecular consequence: missense variant. On other transcripts: intron variant (1).
Genome position (GRCh38, 1-based): chr8:54,627,688, C>T. VCF-style: chr8-54627688-C-T. GRCh37 (hg19) VCF-style: chr8-55540248-C-T.
Other names: c.787+5400C>T (NM_001375654.1); short protein forms S1269F.
Identifiers: ClinVar variation 1011593 (VCV001011593.10), dbSNP rs1232195089, ClinGen allele CA370997316.
Genomic context (GRCh38, chr8:54,627,688, plus strand): 5'-TCTGTGTTTTGGAAGTGACTTGCTCTCCATGTGAGATGTGCACTGTAAATAAGGCTTATT[C>T]TCCAAAAGAGACATGTAACCCCAGTGACACTTTTTTTCCTAGTGATGGTTATGGTGTGGA-3'
Protein context (NP_006260.1, residues 1259-1279): CEMCTVNKAY[Ser1269Phe]PKETCNPSDT